The following is an entry in ClinVar:

ClinVar aggregate classification (germline): Uncertain significance. Review status: criteria provided, multiple submitters, no conflicts (2 of 4 stars). 2 submissions from 2 submitters: Uncertain significance (2). Last evaluated 2024-11-03.

Conditions:
Hereditary cancer-predisposing syndrome. Also called: Tumor predisposition; Hereditary Cancer Syndrome; Neoplastic Syndromes, Hereditary; Hereditary neoplastic syndrome. Identifiers: Orphanet 140162, MedGen C0027672, MeSH D009386, MONDO:0015356.
Tuberous sclerosis 2 (TSC2). Identifiers: Orphanet 805, MedGen C1860707, MONDO:0013199, OMIM 613254.

Submissions (2):

Ambry Genetics
Classification: Uncertain significance for Hereditary cancer-predisposing syndrome. Last evaluated: 2024-11-03. Review status: criteria provided, single submitter. Criteria: Ambry Variant Classification Scheme 2023. Collection method: clinical testing. Allele origin: germline.
Comment: The p.P1468A variant (also known as c.4402C>G), located in coding exon 33 of the TSC2 gene, results from a C to G substitution at nucleotide position 4402. The proline at codon 1468 is replaced by alanine, an amino acid with highly similar properties. This amino acid position is conserved. In addition, the in silico prediction for this alteration is inconclusive. Based on the available evidence, the clinical significance of this variant remains unclear.

Labcorp Genetics (formerly Invitae), Labcorp
Classification: Uncertain significance for Tuberous sclerosis 2. Last evaluated: 2022-04-28. Review status: criteria provided, single submitter. Criteria: Invitae Variant Classification Sherloc (09022015). Collection method: clinical testing. Allele origin: germline.
Comment: This variant has not been reported in the literature in individuals affected with TSC2-related conditions. In summary, the available evidence is currently insufficient to determine the role of this variant in disease. Therefore, it has been classified as a Variant of Uncertain Significance. Advanced modeling of protein sequence and biophysical properties (such as structural, functional, and spatial information, amino acid conservation, physicochemical variation, residue mobility, and thermodynamic stability) performed at Invitae indicates that this missense variant is not expected to disrupt TSC2 protein function. ClinVar contains an entry for this variant (Variation ID: 864002). This variant is not present in population databases (gnomAD no frequency). This sequence change replaces proline, which is neutral and non-polar, with alanine, which is neutral and non-polar, at codon 1468 of the TSC2 protein (p.Pro1468Ala).

NM_000548.5(TSC2):c.4402C>G (p.Pro1468Ala)

Gene: TSC2 (TSC complex subunit 2; plus strand). Cytogenetic location: 16p13.3.
Variant type: single nucleotide variant.
Coding change: c.4402C>G on transcript NM_000548.5 (MANE Select); coding-DNA position 4402, C replaced by G.
Protein change: p.Pro1468Ala; replaces proline 1468 with alanine.
Molecular consequence: missense variant.
Genome position (GRCh38, 1-based): chr16:2,084,624, C>G. VCF-style: chr16-2084624-C-G. GRCh37 (hg19) VCF-style: chr16-2134625-C-G.
Other names: c.4201C>G, p.Pro1401Ala (NM_001077183.3); c.4333C>G, p.Pro1445Ala (NM_001114382.3); c.4093C>G, p.Pro1365Ala (NM_001318827.2); c.4057C>G, p.Pro1353Ala (NM_001318829.2); c.3670C>G, p.Pro1224Ala (NM_001318831.2); c.4234C>G, p.Pro1412Ala (NM_001318832.2); c.4204C>G, p.Pro1402Ala (NM_001363528.2); c.4270C>G, p.Pro1424Ala (NM_001370404.1); and 1 more; short protein forms P1224A, P1401A, P1402A, P1424A, P1425A, P1445A, P1468A, P1365A.
Identifiers: ClinVar variation 864002 (VCV000864002.10), dbSNP rs1217359412, ClinGen allele CA394301985.